The following is an entry in ClinVar:

NM_138295.5(PKD1L1):c.398+1G>A

Gene: PKD1L1 (polycystin 1 like 1, transient receptor potential channel interacting; minus strand). Cytogenetic location: 7p12.3.
Variant type: single nucleotide variant.
Coding change: c.398+1G>A on transcript NM_138295.5 (MANE Select); the canonical splice donor site of the intron after coding-DNA position 398, G replaced by A.
Molecular consequence: splice donor variant.
Genome position (GRCh38, 1-based): chr7:47,936,845, C>T on the plus strand (G>A on the coding strand, the complement: PKD1L1 is on the minus strand). VCF-style: chr7-47936845-C-T. GRCh37 (hg19) VCF-style: chr7-47976442-C-T.
Identifiers: ClinVar variation 4995302 (VCV004995302.1).

ClinVar aggregate classification (germline): Likely pathogenic (1 of 4 stars; one submission).

Conditions:
PKD1L1-related disorder. Also called: PKD1L1-related condition.

gnomAD v4.1: 1 of 1,599,496 alleles (0.000063%); highest among the groups gnomAD compares: Non-Finnish European, 0.000085%; no homozygotes.

Submission:

PreventionGenetics, part of Exact Sciences
Classification: Likely pathogenic for PKD1L1-related condition. Last evaluated: 2026-06-22. Review status: criteria provided, single submitter. Criteria: ACMG Guidelines, 2015. Collection method: clinical testing. Allele origin: germline.
Comment: The PKD1L1 c.398+1G>A variant is predicted to disrupt the GT donor site and interfere with normal splicing. To our knowledge, this variant has not been reported in the literature or in a large population database (gnomAD), indicating this variant is rare. Variants that disrupt the consensus splice donor site in PKD1L1 are expected to be pathogenic. This variant is interpreted as likely pathogenic.